The following is an entry in ClinVar:

NM_001365631.1(CLASP2):c.2240-4C>G

Gene: CLASP2 (cytoplasmic linker associated protein 2; minus strand). Cytogenetic location: 3p22.3.
Variant type: single nucleotide variant.
Coding change: c.2240-4C>G on transcript NM_001365631.1 (MANE Select); 4 bases into the intron before coding-DNA position 2240, C replaced by G.
Molecular consequence: intron variant.
Genome position (GRCh38, 1-based): chr3:33,581,932, G>C on the plus strand (C>G on the coding strand, the complement: CLASP2 is on the minus strand). VCF-style: chr3-33581932-G-C. GRCh37 (hg19) VCF-style: chr3-33623424-G-C.
Other names: c.1901-4C>G (NM_001375713.1); c.2198-4C>G (NM_001400406.1, NM_001375705.1, NM_001365634.1 and 1 more transcripts); c.2216-4C>G (NM_001375697.1); c.2240-4C>G (NM_001365632.1, NM_001375694.1, NM_001365627.1 and 1 more transcripts); c.2267-4C>G (NM_001375700.1); c.2201-4C>G (NM_001375703.1, NM_001365633.1); c.2243-4C>G (NM_001400405.1, NM_001375701.1, NM_015097.3 and 1 more transcripts); c.1541-4C>G (NM_001400417.1, NM_001375720.1, NM_001375715.1 and 5 more transcripts); and 12 more.
Identifiers: ClinVar variation 3029599 (VCV003029599.2), dbSNP rs1280569643, ClinGen allele CA2664958347.

ClinVar aggregate classification (germline): Uncertain significance (0 of 4 stars; one submission).

Conditions:
CLASP2-related disorder. Also called: CLASP2-related condition.

gnomAD v4.1: 1 of 1,600,110 alleles (0.000062%); highest among the groups gnomAD compares: Admixed American, 0.0017%; no homozygotes.

Submission:

PreventionGenetics, part of Exact Sciences
Classification: Uncertain significance for CLASP2-related condition. Last evaluated: 2024-02-07. Review status: no assertion criteria provided. Collection method: clinical testing. Allele origin: germline.
Comment: The CLASP2 c.2243-4C>G variant is predicted to interfere with splicing. To our knowledge, this variant has not been reported in the literature or in a large population database, indicating this variant is rare. At this time, the clinical significance of this variant is uncertain due to the absence of conclusive functional and genetic evidence.